The following is an entry in ClinVar:

NM_020778.5(ALPK3):c.1616C>G (p.Thr539Arg)

Genes: ALPK3 (alpha kinase 3; plus strand), LOC111718493 (skeletal muscle cis-regulatory module overlapping ALPK3; plus strand). Cytogenetic location: 15q25.3.
Variant type: single nucleotide variant.
Coding change: c.1616C>G on transcript NM_020778.5 (MANE Select); coding-DNA position 1616, C replaced by G.
Protein change: p.Thr539Arg; replaces threonine 539 with arginine.
Molecular consequence: missense variant.
Genome position (GRCh38, 1-based): chr15:84,840,895, C>G. VCF-style: chr15-84840895-C-G. GRCh37 (hg19) VCF-style: chr15-85384126-C-G.
Other names: short protein forms T539R.
Identifiers: ClinVar variation 3696870 (VCV003696870.2).

ClinVar aggregate classification (germline): Uncertain significance (1 of 4 stars; one submission).

gnomAD v4.1: 29 of 1,611,174 alleles (0.0018%); highest among the groups gnomAD compares: Non-Finnish European, 0.0024%; no homozygotes.

Submission:

Labcorp Genetics (formerly Invitae), Labcorp
Classification: Uncertain significance. Last evaluated: 2025-11-26. Review status: criteria provided, single submitter. Criteria: Invitae Variant Classification Sherloc (09022015). Collection method: clinical testing. Allele origin: germline.
Comment: This sequence change replaces threonine, which is neutral and polar, with arginine, which is basic and polar, at codon 741 of the ALPK3 protein (p.Thr741Arg). This variant is present in population databases (no rsID available, gnomAD 0.0009%). This variant has not been reported in the literature in individuals affected with ALPK3-related conditions. ClinVar contains an entry for this variant (Variation ID: 3696870). Invitae Evidence Modeling of protein sequence and biophysical properties (such as structural, functional, and spatial information, amino acid conservation, physicochemical variation, residue mobility, and thermodynamic stability) indicates that this missense variant is not expected to disrupt ALPK3 protein function with a negative predictive value of 80%. In summary, the available evidence is currently insufficient to determine the role of this variant in disease. Therefore, it has been classified as a Variant of Uncertain Significance.